The following is an entry in ClinVar:

ClinVar aggregate classification (germline): Pathogenic/Likely pathogenic. Review status: criteria provided, multiple submitters, no conflicts (2 of 4 stars). 2 submissions from 2 submitters: Pathogenic (1); Likely pathogenic (1). Last evaluated 2022-07-06.

Conditions:
X-linked Alport syndrome (ATS1). Also called: COL4A5-Related Nephropathy; NEPHROPATHY AND DEAFNESS, X-LINKED. Identifiers: Orphanet 63, Orphanet 88917, MedGen C4746986, MONDO:0010520, OMIM 301050.

Submissions (2):

Labcorp Genetics (formerly Invitae), Labcorp
Classification: Likely pathogenic. Last evaluated: 2022-07-06. Review status: criteria provided, single submitter. Criteria: Invitae Variant Classification Sherloc (09022015). Collection method: clinical testing. Allele origin: germline.
Comment: This sequence change affects an acceptor splice site in intron 44 of the COL4A5 gene. It is expected to disrupt RNA splicing. Variants that disrupt the donor or acceptor splice site typically lead to a loss of protein function (PMID: 16199547), and loss-of-function variants in COL4A5 are known to be pathogenic (PMID: 9195222, 10752524, 14514738, 24854265, 26809805). This variant is not present in population databases (gnomAD no frequency). This variant has not been reported in the literature in individuals affected with COL4A5-related conditions. Algorithms developed to predict the effect of sequence changes on RNA splicing suggest that this variant may disrupt the consensus splice site. In summary, the currently available evidence indicates that the variant is pathogenic, but additional data are needed to prove that conclusively. Therefore, this variant has been classified as Likely Pathogenic.

Dr. med. U. Finckh, Human Genetics, Eurofins MVZ
Classification: Pathogenic for X-linked Alport syndrome. Last evaluated: 2021-07-20. Review status: criteria provided, single submitter. Criteria: ACMG Guidelines, 2015. Collection method: clinical testing. Allele origin: germline. Affected: yes. Observed: 2 heterozygotes, 3 hemizygotes.
Comment: Heterozygous and hemizygous in 5 family members over 3 generations affected with hematuria. Not present in 2 unaffected family members.

Literature cited by the submitters: PubMed 16199547 (cited by Labcorp Genetics (formerly Invitae), Labcorp); PubMed 9195222 (cited by Labcorp Genetics (formerly Invitae), Labcorp); PubMed 10752524 (cited by Labcorp Genetics (formerly Invitae), Labcorp); PubMed 14514738 (cited by Labcorp Genetics (formerly Invitae), Labcorp); PubMed 24854265 (cited by Labcorp Genetics (formerly Invitae), Labcorp); PubMed 26809805 (cited by Labcorp Genetics (formerly Invitae), Labcorp).

NM_033380.3(COL4A5):c.4088-2A>G

Gene: COL4A5 (collagen type IV alpha 5 chain; plus strand). Cytogenetic location: Xq22.3.
Variant type: single nucleotide variant.
Coding change: c.4088-2A>G on transcript NM_033380.3 (MANE Select); the canonical splice acceptor site of the intron before coding-DNA position 4088, A replaced by G.
Molecular consequence: splice acceptor variant.
Genome position (GRCh38, 1-based): chrX:108,681,758, A>G. VCF-style: chrX-108681758-A-G. GRCh37 (hg19) VCF-style: chrX-107924988-A-G.
Other names: c.4070-2A>G (NM_000495.5).
Identifiers: ClinVar variation 2014736 (VCV002014736.5), dbSNP rs2524616299, ClinGen allele CA413851848.